The following is an entry in ClinVar:

NM_014905.5(GLS):c.1586A>G (p.Asn529Ser)

Gene: GLS (glutaminase; plus strand). Cytogenetic location: 2q32.2.
Variant type: single nucleotide variant.
Coding change: c.1586A>G on transcript NM_014905.5 (MANE Select); coding-DNA position 1586, A replaced by G.
Protein change: p.Asn529Ser; replaces asparagine 529 with serine.
Molecular consequence: missense variant.
Genome position (GRCh38, 1-based): chr2:190,931,573, A>G. VCF-style: chr2-190931573-A-G. GRCh37 (hg19) VCF-style: chr2-191796299-A-G.
Other names: c.1586A>G, p.Asn529Ser (NM_001256310.2); short protein forms N529S.
Identifiers: ClinVar variation 3378357 (VCV003378357.1).

ClinVar aggregate classification (germline): Uncertain significance (1 of 4 stars; one submission).

Submission:

GeneDx
Classification: Uncertain significance. Last evaluated: 2024-05-14. Review status: criteria provided, single submitter. Criteria: GeneDx Variant Classification Process June 2021. Collection method: clinical testing. Allele origin: germline. Affected: yes.
Comment: Not observed at significant frequency in large population cohorts (gnomAD); In silico analysis supports that this missense variant has a deleterious effect on protein structure/function; In silico analysis supports a deleterious effect on splicing; Has not been previously published as pathogenic or benign to our knowledge